The following is an entry in ClinVar:

NM_020937.4(FANCM):c.1633G>C (p.Val545Leu)

Gene: FANCM (FA complementation group M; plus strand). Cytogenetic location: 14q21.2.
Variant type: single nucleotide variant.
Coding change: c.1633G>C on transcript NM_020937.4 (MANE Select); coding-DNA position 1633, G replaced by C.
Protein change: p.Val545Leu; replaces valine 545 with leucine.
Molecular consequence: missense variant.
Genome position (GRCh38, 1-based): chr14:45,164,410, G>C. VCF-style: chr14-45164410-G-C. GRCh37 (hg19) VCF-style: chr14-45633613-G-C.
Other names: c.1555G>C, p.Val519Leu (NM_001308133.2); c.1633G>C, p.Val545Leu (NM_001308134.2); short protein forms V519L, V545L.
Identifiers: ClinVar variation 4533124 (VCV004533124.1).
Genomic context (GRCh38, chr14:45,164,410, plus strand): 5'-TTATTTTAGGTAGTGAAACAGTTTCGTGACGGTGGTTACAACACGCTGGTTTCTACCTGT[G>C]TGGGTGAAGAAGGTTTGGATATAGGAGAAGTTGATCTTATAATATGTTTTGATTCCCAGA-3'
Protein context (NP_065988.1, residues 535-555): GGYNTLVSTC[Val545Leu]GEEGLDIGEV

ClinVar aggregate classification (germline): Uncertain significance (1 of 4 stars; one submission).

Submission:

Quest Diagnostics Nichols Institute San Juan Capistrano
Classification: Uncertain significance. Last evaluated: 2025-11-03. Review status: criteria provided, single submitter. Criteria: Quest Diagnostics criteria. Collection method: clinical testing. Allele origin: unknown.
Comment: The FANCM c.1633G>C (p.Val545Leu) variant has not been reported in individuals with FANCM-related conditions in the published literature. This variant also has not been reported in large, multi-ethnic general populations (Genome Aggregation Database). Analysis of this variant using bioinformatics tools for the prediction of the effect of amino acid changes on protein structure and function yielded conflicting predictions that this variant is benign or damaging. Based on the available information, we are unable to determine the clinical significance of this variant.